The following is an entry in ClinVar:

ClinVar aggregate classification (germline): Benign (1 of 4 stars; one submission).

Conditions:
Familial cancer of breast. Also called: BREAST CANCER, FAMILIAL; Hereditary breast cancer; hereditary breast carcinoma. Identifiers: Orphanet 227535, MedGen C0346153, MONDO:0016419, OMIM 114480. Disease mechanism: loss of function.

Allele frequency attached by ClinVar (database versions not stated): gnomAD exomes below 0.00001.
gnomAD v4.1: 1 of 1,614,118 alleles (0.000062%); highest among the groups gnomAD compares: South Asian, 0.0011%; no homozygotes.

Submission:

Myriad Genetics, Inc.
Classification: Benign for Familial cancer of breast. Last evaluated: 2024-05-10. Review status: criteria provided, single submitter. Criteria: Myriad Autosomal Dominant, Autosomal Recessive and X-Linked Classification Criteria (2023). Collection method: clinical testing. Allele origin: unknown.
Comment: This variant is considered benign. This variant is a silent/synonymous amino acid change and it is not expected to impact splicing.

NM_000051.4(ATM):c.2733T>C (p.Ala911=)

Gene: ATM (ATM serine/threonine kinase; plus strand). Cytogenetic location: 11q22.3.
Variant type: single nucleotide variant.
Coding change: c.2733T>C on transcript NM_000051.4 (MANE Select); coding-DNA position 2733, T replaced by C.
Protein change: p.Ala911=; no amino-acid change (alanine 911 retained).
Molecular consequence: synonymous variant.
Genome position (GRCh38, 1-based): chr11:108,268,504, T>C. VCF-style: chr11-108268504-T-C. GRCh37 (hg19) VCF-style: chr11-108139231-T-C.
Other names: c.2733T>C, p.Ala911= (NM_001351834.2).
Identifiers: ClinVar variation 3254433 (VCV003254433.1), dbSNP rs2497634710.